The following is an entry in ClinVar:

ClinVar aggregate classification (germline): Uncertain significance. Review status: criteria provided, multiple submitters, no conflicts (2 of 4 stars). 2 submissions from 2 submitters: Uncertain significance (2). Last evaluated 2026-03-02.

Conditions:
Arginine:glycine amidinotransferase deficiency (CCDS3). Also called: L-Arginine:Glycine Amidinotransferase (AGAT) Deficiency; Cerebral creatine deficiency syndrome 3; AGAT deficiency; L-Arginine:Glycine Amidinotransferase Deficiency; Creatine deficiency syndrome due to AGAT deficiency; GATM deficiency. Identifiers: Orphanet 35704, MedGen C2675179, MONDO:0012996, OMIM 612718.

Allele frequency attached by ClinVar (database versions not stated): gnomAD exomes below 0.00001.
gnomAD v4.1: 2 of 1,614,088 alleles (0.00012%); highest among the groups gnomAD compares: Non-Finnish European, 0.00017%; no homozygotes.

Submissions (2):

GeneDx
Classification: Uncertain significance. Last evaluated: 2026-03-02. Review status: criteria provided, single submitter. Criteria: GeneDx Variant Classification Process June 2021. Collection method: clinical testing. Allele origin: germline.
Comment: Not observed at significant frequency in large population cohorts (gnomAD); In silico analysis supports that this missense variant has a deleterious effect on protein structure/function; Has not been previously published as pathogenic or benign to our knowledge

Labcorp Genetics (formerly Invitae), Labcorp
Classification: Uncertain significance for Arginine:glycine amidinotransferase deficiency. Last evaluated: 2024-10-21. Review status: criteria provided, single submitter. Criteria: Invitae Variant Classification Sherloc (09022015). Collection method: clinical testing. Allele origin: germline.
Comment: This sequence change replaces proline, which is neutral and non-polar, with leucine, which is neutral and non-polar, at codon 116 of the GATM protein (p.Pro116Leu). This variant is present in population databases (no rsID available, gnomAD 0.0009%). This variant has not been reported in the literature in individuals affected with GATM-related conditions. Invitae Evidence Modeling of protein sequence and biophysical properties (such as structural, functional, and spatial information, amino acid conservation, physicochemical variation, residue mobility, and thermodynamic stability) indicates that this missense variant is expected to disrupt GATM protein function with a positive predictive value of 95%. In summary, the available evidence is currently insufficient to determine the role of this variant in disease. Therefore, it has been classified as a Variant of Uncertain Significance.

NM_001482.3(GATM):c.347C>T (p.Pro116Leu)

Gene: GATM (glycine amidinotransferase; minus strand). Cytogenetic location: 15q21.1.
Variant type: single nucleotide variant.
Coding change: c.347C>T on transcript NM_001482.3 (MANE Select); coding-DNA position 347, C replaced by T.
Protein change: p.Pro116Leu; replaces proline 116 with leucine.
Molecular consequence: missense variant. On other transcripts: 5 prime UTR variant (1).
Genome position (GRCh38, 1-based): chr15:45,369,463, G>A on the plus strand (C>T on the coding strand, the complement: GATM is on the minus strand). VCF-style: chr15-45369463-G-A. GRCh37 (hg19) VCF-style: chr15-45661661-G-A.
Other names: c.347C>T (NM_001482.2); c.-41C>T (NM_001321015.2); short protein forms P116L.
Identifiers: ClinVar variation 3017906 (VCV003017906.4), dbSNP rs1180365337, ClinGen allele CA392262005.
Genomic context (GRCh38, chr15:45,369,463, plus strand): 5'-GTTTTTAAAATATTGCACATTTCTTCAATTTCAGCAACAGCCTTTTTCAAATGATCTTTG[G>A]GAAAATAATGCCCTCCTTGCTTCTGGTAAAATGGCCAGTACTTTTCATATGTGTTGGCCT-3'
Protein context (NP_001473.1, residues 106-126): FYQKQGGHYF[Pro116Leu]KDHLKKAVAE